The following is an entry in ClinVar:

NM_001165963.4(SCN1A):c.3726del (p.Ile1242fs)

Genes: SCN1A (sodium voltage-gated channel alpha subunit 1; minus strand), LOC102724058 (uncharacterized LOC102724058; plus strand). Cytogenetic location: 2q24.3.
Variant type: Deletion.
Coding change: c.3726del on transcript NM_001165963.4 (MANE Select); coding-DNA position 3726, one base deleted (T; older notation c.3726delT).
Protein change: p.Ile1242fs; shifts the reading frame from isoleucine 1242.
Molecular consequence: frameshift variant. On other transcripts: non-coding transcript variant (1).
Genome position (GRCh38, 1-based): chr2:166,012,262, A deleted on the plus strand (T on the coding strand, the reverse complement: SCN1A is on the minus strand); the first of 2 consecutive A bases (chr2:166,012,262-166,012,263); deleting either gives the same sequence. VCF-style (leftmost placement, unchanged base first): chr2-166012261-CA-C. GRCh37 (hg19) VCF-style: chr2-166868771-CA-C.
Other names: c.3642del, p.Ile1214fs (NM_001165964.3, NM_001353957.2, NM_001353958.2); c.3726del, p.Ile1242fs (NM_001202435.3, NM_001353948.2); c.3693del, p.Ile1231fs (NM_001353949.2, NM_001353950.2, NM_001353951.2 and 2 more transcripts); c.3690del, p.Ile1230fs (NM_001353954.2, NM_001353955.2); c.3639del, p.Ile1213fs (NM_001353960.2); c.1284del, p.Ile428fs (NM_001353961.2); short protein forms I1242fs, I428fs, I1214fs, I1231fs, I1213fs, I1230fs.
Identifiers: ClinVar variation 860009 (VCV000860009.2), dbSNP rs1692577292, ClinGen allele CA916082232.

ClinVar aggregate classification (germline): Pathogenic (1 of 4 stars; one submission).

Conditions:
Developmental and epileptic encephalopathy. Identifiers: MedGen C5779964, MONDO:0100620.

Submission:

Labcorp Genetics (formerly Invitae), Labcorp
Classification: Pathogenic for Early infantile epileptic encephalopathy with suppression bursts. Last evaluated: 2019-12-11. Review status: criteria provided, single submitter. Criteria: Invitae Variant Classification Sherloc (09022015). Collection method: clinical testing. Allele origin: germline.
Comment: This sequence change creates a premature translational stop signal (p.Ile1242Metfs*28) in the SCN1A gene. It is expected to result in an absent or disrupted protein product. This variant is not present in population databases (ExAC no frequency). This variant has not been reported in the literature in individuals with SCN1A-related conditions. Loss-of-function variants in SCN1A are known to be pathogenic (PMID: 17347258, 18930999). For these reasons, this variant has been classified as Pathogenic.